The following is an entry in ClinVar:

ClinVar aggregate classification (germline): Uncertain significance (1 of 4 stars; one submission).

Submission:

Labcorp Genetics (formerly Invitae), Labcorp
Classification: Uncertain significance. Last evaluated: 2021-10-07. Review status: criteria provided, single submitter. Criteria: Invitae Variant Classification Sherloc (09022015). Collection method: clinical testing. Allele origin: germline.
Comment: In summary, the available evidence is currently insufficient to determine the role of this variant in disease. Therefore, it has been classified as a Variant of Uncertain Significance. Advanced modeling of protein sequence and biophysical properties (such as structural, functional, and spatial information, amino acid conservation, physicochemical variation, residue mobility, and thermodynamic stability) performed at Invitae indicates that this missense variant is expected to disrupt CPLANE1 protein function. This variant has not been reported in the literature in individuals affected with CPLANE1-related conditions. This variant is not present in population databases (ExAC no frequency). This sequence change replaces proline with leucine at codon 2078 of the CPLANE1 protein (p.Pro2078Leu). The proline residue is highly conserved and there is a moderate physicochemical difference between proline and leucine.

NM_001384732.1(CPLANE1):c.6233C>T (p.Pro2078Leu)

Gene: CPLANE1 (ciliogenesis and planar polarity effector complex subunit 1; minus strand). Cytogenetic location: 5p13.2.
Variant type: single nucleotide variant.
Coding change: c.6233C>T on transcript NM_001384732.1 (MANE Select); coding-DNA position 6233, C replaced by T.
Protein change: p.Pro2078Leu; replaces proline 2078 with leucine.
Molecular consequence: missense variant.
Genome position (GRCh38, 1-based): chr5:37,170,270, G>A on the plus strand (C>T on the coding strand, the complement: CPLANE1 is on the minus strand). VCF-style: chr5-37170270-G-A. GRCh37 (hg19) VCF-style: chr5-37170372-G-A.
Other names: c.6233C>T, p.Pro2078Leu (NM_023073.4); short protein forms P2078L.
Identifiers: ClinVar variation 1385070 (VCV001385070.6), dbSNP rs2150955121, ClinGen allele CA359482649.